The following is an entry in ClinVar:

ClinVar aggregate classification (germline): Uncertain significance (1 of 4 stars; one submission).

Conditions:
Hereditary nonpolyposis colorectal neoplasms. Identifiers: MedGen C0009405, MeSH D003123.

Submission:

Labcorp Genetics (formerly Invitae), Labcorp
Classification: Uncertain significance for Hereditary nonpolyposis colorectal neoplasms. Last evaluated: 2024-09-01. Review status: criteria provided, single submitter. Criteria: Invitae Variant Classification Sherloc (09022015). Collection method: clinical testing. Allele origin: germline.
Comment: This sequence change falls in intron 9 of the MSH6 gene. It does not directly change the encoded amino acid sequence of the MSH6 protein. It affects a nucleotide within the consensus splice site. This variant is not present in population databases (gnomAD no frequency). This variant has not been reported in the literature in individuals affected with MSH6-related conditions. Variants that disrupt the consensus splice site are a relatively common cause of aberrant splicing (PMID: 17576681, 9536098). Experimental studies and prediction algorithms are not available or were not evaluated, and the effect of this variant on mRNA splicing is currently unknown. In summary, the available evidence is currently insufficient to determine the role of this variant in disease. Therefore, it has been classified as a Variant of Uncertain Significance.

Literature cited by the submitters: PubMed 17576681; PubMed 9536098.

NM_000179.3(MSH6):c.4001+5_4001+26del

Gene: MSH6 (mutS homolog 6; plus strand). Cytogenetic location: 2p16.3.
Variant type: Deletion.
Coding change: c.4001+5_4001+26del on transcript NM_000179.3 (MANE Select); bases 5 to 26 of the intron after coding-DNA position 4001, 22 bases deleted (CTAACTAACTATAATGGAATTA).
Molecular consequence: intron variant.
Genome position (GRCh38, 1-based): chr2:47,806,656-47,806,677, CTAACTAACTATAATGGAATTA deleted; deleting any 22 consecutive bases within chr2:47,806,655-47,806,677 gives the same sequence; the c. name uses the placement nearest the transcript's 3' end. VCF-style (leftmost placement, unchanged base first): chr2-47806654-AACTAACTAACTATAATGGAATT-A. GRCh37 (hg19) VCF-style: chr2-48033793-AACTAACTAACTATAATGGAATT-A.
Other names: c.4001+5_4001+26del (NM_001406809.1, NM_001406796.1, NM_001406808.1); c.3095+5_3095+26del (NM_001406811.1, NM_001406814.1, NM_001281493.2 and 6 more transcripts); c.3704+5_3704+26del (NM_001406805.1, NM_001406797.1, NM_001406801.1 and 10 more transcripts); c.4097+5_4097+26del (NM_001406795.1); c.3898-123_3898-102del (NM_001406802.1); c.4007+5_4007+26del (NM_001406813.1); c.3476+5_3476+26del (NM_001406807.1, NM_001406799.1, NM_001406806.1); c.*22+5_*22+26del (NM_001406800.1); and 9 more.
Identifiers: ClinVar variation 3664109 (VCV003664109.2).